The following is an entry in ClinVar:

NM_015662.3(IFT172):c.2193+6T>G

Gene: IFT172 (intraflagellar transport 172; minus strand). Cytogenetic location: 2p23.3.
Variant type: single nucleotide variant.
Coding change: c.2193+6T>G on transcript NM_015662.3 (MANE Select); 6 bases into the intron after coding-DNA position 2193, T replaced by G.
Molecular consequence: intron variant.
Genome position (GRCh38, 1-based): chr2:27,461,753, A>C on the plus strand (T>G on the coding strand, the complement: IFT172 is on the minus strand). VCF-style: chr2-27461753-A-C. GRCh37 (hg19) VCF-style: chr2-27684620-A-C.
Identifiers: ClinVar variation 1464027 (VCV001464027.6), dbSNP rs2148507360, ClinGen allele CA2573134620.

ClinVar aggregate classification (germline): Uncertain significance (1 of 4 stars; one submission).

Conditions:
Retinitis pigmentosa 71 (RP71). Identifiers: Orphanet 791, MedGen C4225342, MONDO:0014618, OMIM 616394.
Short-rib thoracic dysplasia 10 with or without polydactyly (SRTD10). Identifiers: Orphanet 474, MedGen C3810175, MONDO:0014284, OMIM 615630.

gnomAD v4.1: 1 of 1,614,160 alleles (0.000062%); highest among the groups gnomAD compares: Non-Finnish European, 0.000085%; no homozygotes.

Submission:

Labcorp Genetics (formerly Invitae), Labcorp
Classification: Uncertain significance for Retinitis pigmentosa 71; Short-rib thoracic dysplasia 10 with or without polydactyly. Last evaluated: 2023-10-13. Review status: criteria provided, single submitter. Criteria: Invitae Variant Classification Sherloc (09022015). Collection method: clinical testing. Allele origin: germline.
Comment: This sequence change falls in intron 21 of the IFT172 gene. It does not directly change the encoded amino acid sequence of the IFT172 protein. It affects a nucleotide within the consensus splice site. This variant is not present in population databases (gnomAD no frequency). This variant has not been reported in the literature in individuals affected with IFT172-related conditions. ClinVar contains an entry for this variant (Variation ID: 1464027). Variants that disrupt the consensus splice site are a relatively common cause of aberrant splicing (PMID: 17576681, 9536098). Algorithms developed to predict the effect of sequence changes on RNA splicing suggest that this variant is not likely to affect RNA splicing. In summary, the available evidence is currently insufficient to determine the role of this variant in disease. Therefore, it has been classified as a Variant of Uncertain Significance.

Literature cited by the submitters: PubMed 17576681; PubMed 9536098.